The following is an entry in ClinVar:

NM_000059.4(BRCA2):c.3448A>T (p.Thr1150Ser)

Gene: BRCA2 (BRCA2 DNA repair associated; plus strand). Cytogenetic location: 13q13.1.
Variant type: single nucleotide variant.
Coding change: c.3448A>T on transcript NM_000059.4 (MANE Select); coding-DNA position 3448, A replaced by T.
Protein change: p.Thr1150Ser; replaces threonine 1150 with serine.
Molecular consequence: missense variant.
Genome position (GRCh38, 1-based): chr13:32,337,803, A>T. VCF-style: chr13-32337803-A-T. GRCh37 (hg19) VCF-style: chr13-32911940-A-T.
Other names: short protein forms T1150S.
Identifiers: ClinVar variation 649927 (VCV000649927.13), dbSNP rs367789070, ClinGen allele CA247505019.

ClinVar aggregate classification (germline): Conflicting classifications of pathogenicity. Review status: criteria provided, conflicting classifications (1 of 4 stars). 4 submissions from 4 submitters: Uncertain significance (2); Likely benign (2). Last evaluated 2025-11-25.

Conditions:
Hereditary cancer-predisposing syndrome. Also called: Neoplastic Syndromes, Hereditary; Tumor predisposition; Hereditary Cancer Syndrome; Hereditary neoplastic syndrome. Identifiers: Orphanet 140162, MedGen C0027672, MeSH D009386, MONDO:0015356.
Hereditary breast ovarian cancer syndrome. Also called: Breast and ovarian cancer; BRCA1- and BRCA2-Associated Hereditary Breast and Ovarian Cancer; Hereditary breast and ovarian cancer; Hereditary breast and ovarian cancer syndrome (HBOC); Hereditary breast and/or ovarian cancer syndrome; Hereditary breast and ovarian cancer syndrome. Identifiers: Orphanet 145, MedGen C0677776, MeSH D061325, MONDO:0003582. Disease mechanism: loss of function.

Allele frequency attached by ClinVar (database versions not stated): gnomAD exomes below 0.00001.
gnomAD v4.1: 1 of 1,614,088 alleles (0.000062%); highest among the groups gnomAD compares: African/African-American, 0.0013%; no homozygotes.

Submissions (4):

Ambry Genetics
Classification: Likely benign for Hereditary cancer-predisposing syndrome. Last evaluated: 2025-11-25. Review status: criteria provided, single submitter. Criteria: Ambry Variant Classification Scheme 2023. Collection method: clinical testing. Allele origin: germline.

Labcorp Genetics (formerly Invitae), Labcorp
Classification: Uncertain significance for Hereditary breast ovarian cancer syndrome. Last evaluated: 2025-09-24. Review status: criteria provided, single submitter. Criteria: Invitae Variant Classification Sherloc (09022015). Collection method: clinical testing. Allele origin: germline.
Comment: This sequence change replaces threonine, which is neutral and polar, with serine, which is neutral and polar, at codon 1150 of the BRCA2 protein (p.Thr1150Ser). This variant is not present in population databases (gnomAD no frequency). This variant has not been reported in the literature in individuals affected with BRCA2-related conditions. ClinVar contains an entry for this variant (Variation ID: 649927). Invitae Evidence Modeling of protein sequence and biophysical properties (such as structural, functional, and spatial information, amino acid conservation, physicochemical variation, residue mobility, and thermodynamic stability) indicates that this missense variant is not expected to disrupt BRCA2 protein function with a negative predictive value of 95%. In summary, the available evidence is currently insufficient to determine the role of this variant in disease. Therefore, it has been classified as a Variant of Uncertain Significance.

Color Diagnostics, LLC DBA Color Health
Classification: Uncertain significance for Hereditary cancer-predisposing syndrome. Last evaluated: 2025-06-11. Review status: criteria provided, single submitter. Criteria: ACMG Guidelines, 2015. Collection method: clinical testing. Allele origin: germline.
Comment: This missense variant replaces threonine with serine at codon 1150 of the BRCA2 protein. Computational prediction suggests that this variant may not impact protein structure and function. To our knowledge, functional studies have not been reported for this variant. This variant has not been reported in individuals affected with BRCA2-related disorders in the literature. This variant has not been identified in the general population by the Genome Aggregation Database (gnomAD). The available evidence is insufficient to determine the role of this variant in disease conclusively. Therefore, this variant is classified as a Variant of Uncertain Significance.

University of Washington Department of Laboratory Medicine, University of Washington
Classification: Likely benign for Hereditary cancer-predisposing syndrome. Last evaluated: 2023-03-23. Review status: criteria provided, single submitter. Criteria: Dines et al. (Genet Med. 2020). Collection method: curation. Allele origin: germline.
Comment: Missense variant in a coldspot region where missense variants are very unlikely to be pathogenic (PMID:31911673).

BRCA2 exon 11 coldspot. Reclassification based on statistical prior probability.